The following is an entry in ClinVar:

ClinVar aggregate classification (germline): Uncertain significance (1 of 4 stars; one submission).

Conditions:
MYO7A-related disorder. Also called: MYO7A-related disorders.

gnomAD v4.1: 1 of 1,613,036 alleles (0.000062%); highest among the groups gnomAD compares: Non-Finnish European, 0.000085%; no homozygotes.

Submission:

PreventionGenetics, part of Exact Sciences
Classification: Uncertain significance for MYO7A-related condition. Last evaluated: 2025-06-15. Review status: criteria provided, single submitter. Criteria: ACMG Guidelines, 2015. Collection method: clinical testing. Allele origin: germline.
Comment: The MYO7A c.5719T>C variant is predicted to result in the amino acid substitution p.Tyr1907His. To our knowledge, this variant has not been reported in the literature. This variant is reported in 0.00089% of alleles in individuals of European (Non-Finnish) descent in gnomAD. At this time, the clinical significance of this variant is uncertain due to the absence of conclusive functional and genetic evidence.

NM_000260.4(MYO7A):c.5719T>C (p.Tyr1907His)

Gene: MYO7A (myosin VIIA; plus strand). Cytogenetic location: 11q13.5.
Variant type: single nucleotide variant.
Coding change: c.5719T>C on transcript NM_000260.4 (MANE Select); coding-DNA position 5719, T replaced by C.
Protein change: p.Tyr1907His; replaces tyrosine 1907 with histidine.
Molecular consequence: missense variant.
Genome position (GRCh38, 1-based): chr11:77,206,179, T>C. VCF-style: chr11-77206179-T-C. GRCh37 (hg19) VCF-style: chr11-76917224-T-C.
Other names: c.5605T>C, p.Tyr1869His (NM_001127180.2); c.5572T>C, p.Tyr1858His (NM_001369365.1); short protein forms Y1869H, Y1907H, Y1858H.
Identifiers: ClinVar variation 4982740 (VCV004982740.1).